The following is an entry in ClinVar:

ClinVar aggregate classification (germline): Uncertain significance (1 of 4 stars; one submission).

Allele frequency attached by ClinVar (database versions not stated): ExAC 0.00001; gnomAD exomes 0.00001 and 0.00002.

Submission:

Labcorp Genetics (formerly Invitae), Labcorp
Classification: Uncertain significance. Last evaluated: 2022-05-08. Review status: criteria provided, single submitter. Criteria: Invitae Variant Classification Sherloc (09022015). Collection method: clinical testing. Allele origin: germline.
Comment: This sequence change affects codon 321 of the COL7A1 mRNA. It is a 'silent' change, meaning that it does not change the encoded amino acid sequence of the COL7A1 protein. This variant is present in population databases (rs745686522, gnomAD 0.002%). This variant has not been reported in the literature in individuals affected with COL7A1-related conditions. Algorithms developed to predict the effect of sequence changes on RNA splicing suggest that this variant may create or strengthen a splice site. In summary, the available evidence is currently insufficient to determine the role of this variant in disease. Therefore, it has been classified as a Variant of Uncertain Significance.

NM_000094.4(COL7A1):c.963G>T (p.Gly321=)

Gene: COL7A1 (collagen type VII alpha 1 chain; minus strand). Cytogenetic location: 3p21.31.
Variant type: single nucleotide variant.
Coding change: c.963G>T on transcript NM_000094.4 (MANE Select); coding-DNA position 963, G replaced by T.
Protein change: p.Gly321=; no amino-acid change (glycine 321 retained).
Molecular consequence: synonymous variant.
Genome position (GRCh38, 1-based): chr3:48,592,583, C>A on the plus strand (G>T on the coding strand, the complement: COL7A1 is on the minus strand). VCF-style: chr3-48592583-C-A. GRCh37 (hg19) VCF-style: chr3-48630016-C-A.
Identifiers: ClinVar variation 1467106 (VCV001467106.5), dbSNP rs745686522, ClinGen allele CA2381390.